The following is an entry in ClinVar:

NM_001040142.2(SCN2A):c.209C>T (p.Pro70Leu)

Gene: SCN2A (sodium voltage-gated channel alpha subunit 2; plus strand). Cytogenetic location: 2q24.3.
Variant type: single nucleotide variant.
Coding change: c.209C>T on transcript NM_001040142.2 (MANE Select); coding-DNA position 209, C replaced by T.
Protein change: p.Pro70Leu; replaces proline 70 with leucine.
Molecular consequence: missense variant.
Genome position (GRCh38, 1-based): chr2:165,296,032, C>T. VCF-style: chr2-165296032-C-T. GRCh37 (hg19) VCF-style: chr2-166152542-C-T.
Other names: c.209C>T, p.Pro70Leu (NM_001040143.2, NM_001371246.1, NM_001371247.1 and 1 more transcripts); short protein forms P70L.
Identifiers: ClinVar variation 1878587 (VCV001878587.1), dbSNP rs2467838910, ClinGen allele CA349010554.
Genomic context (GRCh38, chr2:165,296,032, plus strand): 5'-CAAAGCCAAACAGTGACTTGGAAGCAGGAAAATCTCTTCCATTTATTTATGGAGACATTC[C>T]TCCAGAGATGGTGTCAGTGCCCCTGGAGGATCTGGACCCCTACTATATCAATAAGAAAGT-3'
Protein context (NP_001035232.1, residues 60-80): KSLPFIYGDI[Pro70Leu]PEMVSVPLED

ClinVar aggregate classification (germline): Uncertain significance (1 of 4 stars; one submission).

Conditions:
Developmental and epileptic encephalopathy, 11 (DEE11). Also called: Early infantile epileptic encephalopathy 11. Identifiers: Orphanet 1934, MedGen C3150987, MONDO:0013388, OMIM 613721.

Submission:

Neuberg Centre For Genomic Medicine, NCGM
Classification: Uncertain significance for Developmental and epileptic encephalopathy, 11. Review status: criteria provided, single submitter. Criteria: ACMG Guidelines, 2015. Collection method: clinical testing. Allele origin: germline. Affected: yes.
Comment: The missense variant c.209C>T in SCN2A (NM_001040143.2) variant has not been described previously in affected individuals. The p.Pro70Leu variant is novel (not in any individuals) in gnomAD Exomes and 1000 Genomes.The variant is predicted to be damaging by both SIFT and PolyPhen2. The residue is conserved across species. The amino acid change p.Pro70Leu in SCN2A is predicted as conserved by GERP++ and PhyloP across 100 vertebrates. For these reasons, this variant has been classified as Uncertain significance.